The following is an entry in ClinVar:

Conditions:
Breast-ovarian cancer, familial, susceptibility to, 1 (BROVCA1). Also called: BRCA1 Hereditary Breast and Ovarian Cancer; OVARIAN CANCER, SUSCEPTIBILITY TO. Identifiers: Orphanet 145, MedGen C2676676, MONDO:0011450, OMIM 604370. Disease mechanism: loss of function.

Submission:

Brotman Baty Institute, University of Washington
No classification provided (evidence only). Condition: Breast-ovarian cancer, familial 1. Review status: no classification provided. Collection method: in vitro. Allele origin: not applicable. Functional consequence: functionally_normal.
ClinVar note: "not provided" was previously submitted as the classification for the variant. However, the classification appeared to be based only on an observation of functional data so it was converted to no classification on 2025-07-30.

NM_007294.4(BRCA1):c.4913A>C (p.Glu1638Ala)

Gene: BRCA1 (BRCA1 DNA repair associated; minus strand). Cytogenetic location: 17q21.31.
Variant type: single nucleotide variant.
Coding change: c.4913A>C on transcript NM_007294.4 (MANE Select); coding-DNA position 4913, A replaced by C.
Protein change: p.Glu1638Ala; replaces glutamic acid 1638 with alanine.
Molecular consequence: missense variant. On other transcripts: non-coding transcript variant (1).
Genome position (GRCh38, 1-based): chr17:43,071,001, T>G on the plus strand (A>C on the coding strand, the complement: BRCA1 is on the minus strand). VCF-style: chr17-43071001-T-G. GRCh37 (hg19) VCF-style: chr17-41223018-T-G.
Other names: c.1073A>C, p.Glu358Ala (NM_001408513.1); c.4772A>C, p.Glu1591Ala (NM_007297.4, NM_001407692.1, NM_001407694.1 and 13 more transcripts); c.1601A>C, p.Glu534Ala (NM_007298.4, NM_007299.4, NM_007304.2 and 13 more transcripts); c.4976A>C, p.Glu1659Ala (NM_007300.4, NM_001407583.1, NM_001407585.1 and 1 more transcripts); c.4700A>C, p.Glu1567Ala (NM_001407571.1, NM_001407896.1, NM_001407897.1 and 12 more transcripts); c.4979A>C, p.Glu1660Ala (NM_001407581.1, NM_001407582.1); c.4973A>C, p.Glu1658Ala (NM_001407590.1, NM_001407591.1); c.4913A>C, p.Glu1638Ala (NM_001407593.1, NM_001407594.1, NM_001407596.1 and 8 more transcripts); and 70 more; short protein forms E534A, E1591A, E1638A, E1659A, E1342A, E1526A, E1590A, E1594A.
Identifiers: ClinVar variation 868401 (VCV000868401.3), dbSNP rs2052380495, ClinGen allele CA10591698.